The following is an entry in ClinVar:

ClinVar aggregate classification (germline): Pathogenic (1 of 4 stars; one submission).

gnomAD v4.1: 2 of 1,584,750 alleles (0.00013%); highest among the groups gnomAD compares: Non-Finnish European, 0.000087%; no homozygotes.

Submission:

Labcorp Genetics (formerly Invitae), Labcorp
Classification: Pathogenic. Last evaluated: 2022-10-05. Review status: criteria provided, single submitter. Criteria: Invitae Variant Classification Sherloc (09022015). Collection method: clinical testing. Allele origin: germline.
Comment: For these reasons, this variant has been classified as Pathogenic. This variant has not been reported in the literature in individuals affected with NDUFAF5-related conditions. This variant is not present in population databases (gnomAD no frequency). This sequence change creates a premature translational stop signal (p.Gln245*) in the NDUFAF5 gene. It is expected to result in an absent or disrupted protein product. Loss-of-function variants in NDUFAF5 are known to be pathogenic (PMID: 26275793, 30473481, 32918965).

Literature cited by the submitters: PubMed 26275793; PubMed 30473481; PubMed 32918965.

NM_024120.5(NDUFAF5):c.733C>T (p.Gln245Ter)

Gene: NDUFAF5 (NADH:ubiquinone oxidoreductase complex assembly factor 5; plus strand). Cytogenetic location: 20p12.1.
Variant type: single nucleotide variant.
Coding change: c.733C>T on transcript NM_024120.5 (MANE Select); coding-DNA position 733, C replaced by T.
Protein change: p.Gln245Ter; replaces glutamine 245 with a stop codon.
Molecular consequence: nonsense. On other transcripts: non-coding transcript variant (7).
Genome position (GRCh38, 1-based): chr20:13,808,857, C>T. VCF-style: chr20-13808857-C-T. GRCh37 (hg19) VCF-style: chr20-13789503-C-T.
Other names: c.649C>T, p.Gln217Ter (NM_001039375.3); c.262C>T, p.Gln88Ter (NM_001352403.2); c.172C>T, p.Gln58Ter (NM_001352406.2, NM_001352407.2); short protein forms Q58*, Q88*, Q217*, Q245*.
Identifiers: ClinVar variation 1957246 (VCV001957246.5), dbSNP rs2516230862, ClinGen allele CA408271891.